The following is an entry in ClinVar:

NM_014804.3(KIAA0753):c.2740T>G (p.Ser914Ala)

Gene: KIAA0753 (KIAA0753; minus strand). Cytogenetic location: 17p13.1.
Variant type: single nucleotide variant.
Coding change: c.2740T>G on transcript NM_014804.3 (MANE Select); coding-DNA position 2740, T replaced by G.
Protein change: p.Ser914Ala; replaces serine 914 with alanine.
Molecular consequence: missense variant. On other transcripts: non-coding transcript variant (3).
Genome position (GRCh38, 1-based): chr17:6,589,825, A>C on the plus strand (T>G on the coding strand, the complement: KIAA0753 is on the minus strand). VCF-style: chr17-6589825-A-C. GRCh37 (hg19) VCF-style: chr17-6493145-A-C.
Other names: c.1843T>G, p.Ser615Ala (NM_001351225.2); short protein forms S914A, S615A.
Identifiers: ClinVar variation 1907003 (VCV001907003.5), dbSNP rs1003879586, ClinGen allele CA287343395.

ClinVar aggregate classification (germline): Uncertain significance (1 of 4 stars; one submission).

Allele frequency attached by ClinVar (database versions not stated): gnomAD exomes below 0.00001.
gnomAD v4.1: 4 of 1,613,918 alleles (0.00025%); highest among the groups gnomAD compares: Non-Finnish European, 0.000085%; no homozygotes.

Submission:

Labcorp Genetics (formerly Invitae), Labcorp
Classification: Uncertain significance. Last evaluated: 2022-08-16. Review status: criteria provided, single submitter. Criteria: Invitae Variant Classification Sherloc (09022015). Collection method: clinical testing. Allele origin: germline.
Comment: Algorithms developed to predict the effect of sequence changes on RNA splicing suggest that this variant may create or strengthen a splice site. This sequence change replaces serine, which is neutral and polar, with alanine, which is neutral and non-polar, at codon 914 of the KIAA0753 protein (p.Ser914Ala). This variant is not present in population databases (gnomAD no frequency). This variant has not been reported in the literature in individuals affected with KIAA0753-related conditions. Algorithms developed to predict the effect of missense changes on protein structure and function output the following: SIFT: "Tolerated"; PolyPhen-2: "Benign"; Align-GVGD: "Class C0". The alanine amino acid residue is found in multiple mammalian species, which suggests that this missense change does not adversely affect protein function. In summary, the available evidence is currently insufficient to determine the role of this variant in disease. Therefore, it has been classified as a Variant of Uncertain Significance.